The following is an entry in ClinVar:

ClinVar aggregate classification (germline): Uncertain significance. Review status: criteria provided, multiple submitters, no conflicts (2 of 4 stars). 2 submissions from 2 submitters: Uncertain significance (2). Last evaluated 2025-02-11.

Conditions:
Hereditary cancer-predisposing syndrome. Also called: Hereditary neoplastic syndrome; Hereditary Cancer Syndrome; Neoplastic Syndromes, Hereditary; Tumor predisposition. Identifiers: Orphanet 140162, MedGen C0027672, MeSH D009386, MONDO:0015356.
Familial adenomatous polyposis 1 (FAP1). Also called: POLYPOSIS, ADENOMATOUS INTESTINAL; FAMILIAL ADENOMATOUS POLYPOSIS 1, ATTENUATED. Identifiers: MedGen C2713442, MONDO:0021056, OMIM 175100. Disease mechanism: loss of function.

Submissions (2):

Labcorp Genetics (formerly Invitae), Labcorp
Classification: Uncertain significance for Familial adenomatous polyposis 1. Last evaluated: 2025-02-11. Review status: criteria provided, single submitter. Criteria: Invitae Variant Classification Sherloc (09022015). Collection method: clinical testing. Allele origin: germline.
Comment: This sequence change replaces lysine, which is basic and polar, with glutamic acid, which is acidic and polar, at codon 1888 of the APC protein (p.Lys1888Glu). This variant is not present in population databases (gnomAD no frequency). This variant has not been reported in the literature in individuals affected with APC-related conditions. ClinVar contains an entry for this variant (Variation ID: 2566997). Invitae Evidence Modeling of protein sequence and biophysical properties (such as structural, functional, and spatial information, amino acid conservation, physicochemical variation, residue mobility, and thermodynamic stability) indicates that this missense variant is not expected to disrupt APC protein function with a negative predictive value of 95%. In summary, the available evidence is currently insufficient to determine the role of this variant in disease. Therefore, it has been classified as a Variant of Uncertain Significance.

Ambry Genetics
Classification: Uncertain significance for Hereditary cancer-predisposing syndrome. Last evaluated: 2023-04-26. Review status: criteria provided, single submitter. Criteria: Ambry Variant Classification Scheme 2023. Collection method: clinical testing. Allele origin: germline.
Comment: The p.K1888E variant (also known as c.5662A>G), located in coding exon 15 of the APC gene, results from an A to G substitution at nucleotide position 5662. The lysine at codon 1888 is replaced by glutamic acid, an amino acid with similar properties. This amino acid position is conserved. In addition, in silico predictors for this gene do not accurately predict pathogenicity. Since supporting evidence is limited at this time, the clinical significance of this alteration remains unclear.

NM_000038.6(APC):c.5662A>G (p.Lys1888Glu)

Gene: APC (APC regulator of Wnt signaling pathway; plus strand). Cytogenetic location: 5q22.2.
Variant type: single nucleotide variant.
Coding change: c.5662A>G on transcript NM_000038.6 (MANE Select); coding-DNA position 5662, A replaced by G.
Protein change: p.Lys1888Glu; replaces lysine 1888 with glutamic acid.
Molecular consequence: missense variant. On other transcripts: non-coding transcript variant (2).
Genome position (GRCh38, 1-based): chr5:112,841,256, A>G. VCF-style: chr5-112841256-A-G. GRCh37 (hg19) VCF-style: chr5-112176953-A-G.
Other names: c.5578A>G, p.Lys1860Glu (NM_001354899.2); c.5539A>G, p.Lys1847Glu (NM_001354900.2); c.5359A>G, p.Lys1787Glu (NM_001354903.2, NM_001407458.1, NM_001407459.1 and 1 more transcripts); c.5284A>G, p.Lys1762Glu (NM_001354904.2); c.5485A>G, p.Lys1829Glu (NM_001354901.2, NM_001407453.1); c.5389A>G, p.Lys1797Glu (NM_001354902.2); c.5662A>G, p.Lys1888Glu (NM_001127510.3, NM_001354895.2, NM_001407450.1); c.5608A>G, p.Lys1870Glu (NM_001127511.3); and 11 more; short protein forms K1762E, K1787E, K1805E, K1881E, K1916E, K1847E, K1860E, K1898E.
Identifiers: ClinVar variation 2566997 (VCV002566997.3), dbSNP rs2149945882, ClinGen allele CA16033728.